The following is an entry in ClinVar:

ClinVar aggregate classification (germline): Uncertain significance (1 of 4 stars; one submission).

Conditions:
Cardiovascular phenotype. Identifiers: MedGen CN230736.

gnomAD v4.1: 2 of 1,605,616 alleles (0.00012%); highest among the groups gnomAD compares: Admixed American, 0.0017%; no homozygotes.

Submission:

Ambry Genetics
Classification: Uncertain significance for Cardiovascular phenotype. Last evaluated: 2026-07-28. Review status: criteria provided, single submitter. Criteria: Ambry Variant Classification Scheme 2023. Collection method: clinical testing. Allele origin: germline.
Comment: The p.R1138L variant (also known as c.3413G>T), located in coding exon 24 of the MYH6 gene, results from a G to T substitution at nucleotide position 3413. The arginine at codon 1138 is replaced by leucine, an amino acid with dissimilar properties. This amino acid position is conserved. In addition, this alteration is predicted to be deleterious by in silico analysis. Based on the available evidence, the clinical significance of this variant remains unclear.

NM_002471.4(MYH6):c.3413G>T (p.Arg1138Leu)

Gene: MYH6 (myosin heavy chain 6; minus strand). Cytogenetic location: 14q11.2.
Variant type: single nucleotide variant.
Coding change: c.3413G>T on transcript NM_002471.4 (MANE Select); coding-DNA position 3413, G replaced by T.
Protein change: p.Arg1138Leu; replaces arginine 1138 with leucine.
Molecular consequence: missense variant.
Genome position (GRCh38, 1-based): chr14:23,390,376, C>A on the plus strand (G>T on the coding strand, the complement: MYH6 is on the minus strand). VCF-style: chr14-23390376-C-A. GRCh37 (hg19) VCF-style: chr14-23859585-C-A.
Other names: short protein forms R1138L.
Identifiers: ClinVar variation 5025133 (VCV005025133.1).
Genomic context (GRCh38, chr14:23,390,376, plus strand): 5'-GCCCCGCCGGCCTCTTCCAGCCGCTCGCTGATCTCCTCCAGCTCCCGAGACAGGTCTGAG[C>A]GCAGCTTCTCCACCTTAGCCCTGGCGGTGCGCTCGGCCTCCAGCTCCTCCTCCAGCTCCT-3'
Protein context (NP_002462.2, residues 1128-1148): RTARAKVEKL[Arg1138Leu]SDLSRELEEI